The following is an entry in ClinVar:

ClinVar aggregate classification (germline): Uncertain significance. Review status: criteria provided, multiple submitters, no conflicts (2 of 4 stars). 2 submissions from 2 submitters: Uncertain significance (2). Last evaluated 2023-09-25.

Conditions:
POLD1-related polyposis and colorectal cancer syndrome (CRCS10). Also called: Colorectal cancer, susceptibility to, 10; Colorectal cancer 10; COLORECTAL CANCER, SUSCEPTIBILITY TO, ON CHROMOSOME 19q. Identifiers: Orphanet 220460, MedGen C2675481, MONDO:0012953, OMIM 612591.

Submissions (2):

Labcorp Genetics (formerly Invitae), Labcorp
Classification: Uncertain significance for POLD1-related polyposis and colorectal cancer syndrome. Last evaluated: 2023-09-25. Review status: criteria provided, single submitter. Criteria: Invitae Variant Classification Sherloc (09022015). Collection method: clinical testing. Allele origin: germline.
Comment: This sequence change replaces glycine, which is neutral and non-polar, with aspartic acid, which is acidic and polar, at codon 709 of the POLD1 protein (p.Gly709Asp). In summary, the available evidence is currently insufficient to determine the role of this variant in disease. Therefore, it has been classified as a Variant of Uncertain Significance. Algorithms developed to predict the effect of sequence changes on RNA splicing suggest that this variant may disrupt the consensus splice site. Advanced modeling of protein sequence and biophysical properties (such as structural, functional, and spatial information, amino acid conservation, physicochemical variation, residue mobility, and thermodynamic stability) performed at Invitae indicates that this missense variant is expected to disrupt POLD1 protein function. ClinVar contains an entry for this variant (Variation ID: 801250). This variant has not been reported in the literature in individuals affected with POLD1-related conditions. This variant is not present in population databases (gnomAD no frequency).

Quest Diagnostics Nichols Institute San Juan Capistrano
Classification: Uncertain significance. Last evaluated: 2019-02-05. Review status: criteria provided, single submitter. Criteria: Quest Diagnostics criteria. Collection method: clinical testing. Allele origin: germline.

NM_002691.4(POLD1):c.2126G>A (p.Gly709Asp)

Gene: POLD1 (DNA polymerase delta 1, catalytic subunit; plus strand). Cytogenetic location: 19q13.33.
Variant type: single nucleotide variant.
Coding change: c.2126G>A on transcript NM_002691.4 (MANE Select); coding-DNA position 2126, G replaced by A.
Protein change: p.Gly709Asp; replaces glycine 709 with aspartic acid.
Molecular consequence: missense variant. On other transcripts: non-coding transcript variant (1).
Genome position (GRCh38, 1-based): chr19:50,409,638, G>A. VCF-style: chr19-50409638-G-A. GRCh37 (hg19) VCF-style: chr19-50912895-G-A.
Other names: c.2126G>A, p.Gly709Asp (NM_001256849.1); c.2204G>A, p.Gly735Asp (NM_001308632.1); short protein forms G709D, G735D.
Identifiers: ClinVar variation 801250 (VCV000801250.5), dbSNP rs1601228154, ClinGen allele CA406982678.